The following is an entry in ClinVar:

ClinVar aggregate classification (germline): Uncertain significance (1 of 4 stars; one submission).

Allele frequency attached by ClinVar (database versions not stated): gnomAD exomes below 0.00001; gnomAD 0.00005; TOPMed 0.00007.
gnomAD v4.1: 9 of 1,613,590 alleles (0.00056%); highest among the groups gnomAD compares: Admixed American, 0.015%; no homozygotes.

Submission:

Labcorp Genetics (formerly Invitae), Labcorp
Classification: Uncertain significance. Last evaluated: 2023-03-31. Review status: criteria provided, single submitter. Criteria: Invitae Variant Classification Sherloc (09022015). Collection method: clinical testing. Allele origin: germline.
Comment: In summary, the available evidence is currently insufficient to determine the role of this variant in disease. Therefore, it has been classified as a Variant of Uncertain Significance. This sequence change falls in intron 6 of the CYC1 gene. It does not directly change the encoded amino acid sequence of the CYC1 protein. This variant is present in population databases (no rsID available, gnomAD 0.003%). This variant has not been reported in the literature in individuals affected with CYC1-related conditions. Algorithms developed to predict the effect of sequence changes on RNA splicing suggest that this variant may create or strengthen a splice site.

NM_001916.5(CYC1):c.874-19G>A

Gene: CYC1 (cytochrome c1; plus strand). Cytogenetic location: 8q24.3.
Variant type: single nucleotide variant.
Coding change: c.874-19G>A on transcript NM_001916.5 (MANE Select); 19 bases into the intron before coding-DNA position 874, G replaced by A.
Molecular consequence: intron variant.
Genome position (GRCh38, 1-based): chr8:144,097,213, G>A. VCF-style: chr8-144097213-G-A. GRCh37 (hg19) VCF-style: chr8-145152116-G-A.
Identifiers: ClinVar variation 3011880 (VCV003011880.3), dbSNP rs1212531890, ClinGen allele CA585811446.